The following is an entry in ClinVar:

ClinVar aggregate classification (germline): Pathogenic. Review status: criteria provided, single submitter (1 of 4 stars). 2 submissions from 2 submitters: Pathogenic (1). 1 of the submissions does not count toward it. Last evaluated 2022-04-23.

Conditions:
Retinitis pigmentosa 49 (RP49). Identifiers: Orphanet 791, MedGen C3151059, MONDO:0013405, OMIM 613756.

Submissions (2):

Labcorp Genetics (formerly Invitae), Labcorp
Classification: Pathogenic. Last evaluated: 2022-04-23. Review status: criteria provided, single submitter. Criteria: Invitae Variant Classification Sherloc (09022015). Collection method: clinical testing. Allele origin: germline.
Comment: For these reasons, this variant has been classified as Pathogenic. This variant disrupts a region of the CNGA1 protein in which other variant(s) (p.Tyr648*) have been determined to be pathogenic (PMID: 7479749, 24265693). This suggests that this is a clinically significant region of the protein, and that variants that disrupt it are likely to be disease-causing. This premature translational stop signal has been observed in individual(s) with retinitis pigmentosa (PMID: 25268133). This variant is not present in population databases (gnomAD no frequency). This sequence change creates a premature translational stop signal (p.Val477Tyrfs*17) in the CNGA1 gene. While this is not anticipated to result in nonsense mediated decay, it is expected to disrupt the last 214 amino acid(s) of the CNGA1 protein.

OMIM
Classification: Pathogenic for RETINITIS PIGMENTOSA 49. Last evaluated: 2023-02-23. Review status: no assertion criteria provided. Collection method: literature only. Allele origin: germline. Not counted in ClinVar's aggregate classification.

Literature cited by the submitters: PubMed 7479749 (cited by Labcorp Genetics (formerly Invitae), Labcorp); PubMed 24265693 (cited by Labcorp Genetics (formerly Invitae), Labcorp); PubMed 25268133 (cited by Labcorp Genetics (formerly Invitae), Labcorp and OMIM).

NM_001379270.1(CNGA1):c.1417del (p.Val473fs)

Genes: CNGA1 (cyclic nucleotide gated channel subunit alpha 1; minus strand), LOC101927157 (uncharacterized LOC101927157; plus strand). Cytogenetic location: 4p12.
Variant type: Deletion.
Coding change: c.1417del on transcript NM_001379270.1 (MANE Select); coding-DNA position 1417, one base deleted (G; older notation c.1417delG).
Protein change: p.Val473fs; shifts the reading frame from valine 473.
Molecular consequence: frameshift variant.
Genome position (GRCh38, 1-based): chr4:47,937,065, C deleted on the plus strand (G on the coding strand, the reverse complement: CNGA1 is on the minus strand); the first of 2 consecutive C bases (chr4:47,937,065-47,937,066); deleting either gives the same sequence. VCF-style (leftmost placement, unchanged base first): chr4-47937064-AC-A. GRCh37 (hg19) VCF-style: chr4-47939081-AC-A.
Other names: 1-BP DEL, 1429G; c.1417del, p.Val473fs (NM_000087.5, NM_001142564.2); short protein forms V473fs.
Identifiers: ClinVar variation 2203541 (VCV002203541.5), dbSNP rs1738701040, ClinGen allele CA658820612.